The following is an entry in ClinVar:

NM_003480.4(MFAP5):c.46A>G (p.Ile16Val)

Gene: MFAP5 (microfibril associated protein 5; minus strand). Cytogenetic location: 12p13.31.
Variant type: single nucleotide variant.
Coding change: c.46A>G on transcript NM_003480.4 (MANE Select); coding-DNA position 46, A replaced by G.
Protein change: p.Ile16Val; replaces isoleucine 16 with valine.
Molecular consequence: missense variant. On other transcripts: non-coding transcript variant (2).
Genome position (GRCh38, 1-based): chr12:8,662,059, T>C on the plus strand (A>G on the coding strand, the complement: MFAP5 is on the minus strand). VCF-style: chr12-8662059-T-C. GRCh37 (hg19) VCF-style: chr12-8814655-T-C.
Other names: c.46A>G, p.Ile16Val (NM_001297709.2, NM_001297710.2, NM_001297711.2 and 1 more transcripts); short protein forms I16V.
Identifiers: ClinVar variation 2828643 (VCV002828643.3), dbSNP rs2540314417, ClinGen allele CA384039686.

ClinVar aggregate classification (germline): Uncertain significance (1 of 4 stars; one submission).

Allele frequency attached by ClinVar (database versions not stated): gnomAD exomes below 0.00001.
gnomAD v4.1: 1 of 1,613,864 alleles (0.000062%); highest among the groups gnomAD compares: Non-Finnish European, 0.000085%; no homozygotes.

Submission:

Labcorp Genetics (formerly Invitae), Labcorp
Classification: Uncertain significance. Last evaluated: 2026-01-07. Review status: criteria provided, single submitter. Criteria: Invitae Variant Classification Sherloc (09022015). Collection method: clinical testing. Allele origin: germline.
Comment: This sequence change replaces isoleucine, which is neutral and non-polar, with valine, which is neutral and non-polar, at codon 16 of the MFAP5 protein (p.Ile16Val). This variant is not present in population databases (gnomAD no frequency). This variant has not been reported in the literature in individuals affected with MFAP5-related conditions. ClinVar contains an entry for this variant (Variation ID: 2828643). An algorithm developed to predict the effect of missense changes on protein structure and function outputs the following: PolyPhen-2: "Benign". The valine amino acid residue is found in multiple mammalian species, which suggests that this missense change does not adversely affect protein function. In summary, the available evidence is currently insufficient to determine the role of this variant in disease. Therefore, it has been classified as a Variant of Uncertain Significance.